The following is an entry in ClinVar:

ClinVar aggregate classification (germline): Uncertain significance (1 of 4 stars; one submission).

Conditions:
Lynch syndrome. Identifiers: Orphanet 144, MedGen C4552100, MONDO:0005835. Disease mechanism: loss of function.

Submission:

Labcorp Genetics (formerly Invitae), Labcorp
Classification: Uncertain significance for Hereditary nonpolyposis colorectal neoplasms. Last evaluated: 2016-10-24. Review status: criteria provided, single submitter. Criteria: Invitae Variant Classification Sherloc (09022015). Collection method: clinical testing. Allele origin: germline.
Comment: A gross duplication of the genomic region encompassing the full coding sequence of the EPCAM gene has been identified. The boundaries of this event are unknown as the duplication extends beyond the assayed region for this gene and therefore may encompass additional genes. As the precise location of this duplication is unknown, it may be in tandem or it may be located elsewhere in the genome. Duplications of the entire EPCAM sequence have not been reported in the literature in individuals with an EPCAM-related disease. In summary, the exact genomic location of this variant is unknown and the impact of this duplication on EPCAM protein function has not been established. Therefore, it has been classified as a Variant of Unknown Significance.

NC_000002.11:g.(?_47596287)_(47614167_?)dup

Genes: EPCAM (epithelial cell adhesion molecule; plus strand), MIR559 (microRNA 559; plus strand). Cytogenetic location: 2p21.
Variant type: Duplication.
Identifiers: ClinVar variation 417531 (VCV000417531.1).